The following is an entry in ClinVar:

NM_001302769.2(PARD3B):c.1610C>A (p.Ala537Asp)

Gene: PARD3B (par-3 family cell polarity regulator beta; plus strand). Cytogenetic location: 2q33.3.
Variant type: single nucleotide variant.
Coding change: c.1610C>A on transcript NM_001302769.2 (MANE Select); coding-DNA position 1610, C replaced by A.
Protein change: p.Ala537Asp; replaces alanine 537 with aspartic acid.
Molecular consequence: missense variant. On other transcripts: intron variant (1).
Genome position (GRCh38, 1-based): chr2:205,158,897, C>A. VCF-style: chr2-205158897-C-A. GRCh37 (hg19) VCF-style: chr2-206023621-C-A.
Other names: c.1610C>A, p.Ala537Asp (NM_057177.7, NM_205863.4); c.1435-13314C>A (NM_152526.6); short protein forms A537D.
Identifiers: ClinVar variation 2631702 (VCV002631702.2), dbSNP rs1439059324, ClinGen allele CA350030745.

ClinVar aggregate classification (germline): Uncertain significance (0 of 4 stars; one submission).

Conditions:
PARD3B-related disorder. Also called: PARD3B-related condition.

Submission:

PreventionGenetics, part of Exact Sciences
Classification: Uncertain significance for PARD3B-related condition. Last evaluated: 2024-09-20. Review status: no assertion criteria provided. Collection method: clinical testing. Allele origin: germline.
Comment: The PARD3B c.1610C>A variant is predicted to result in the amino acid substitution p.Ala537Asp. This variant corresponds to a deep intronic position in the primary transcript (NM_152526.5:c.1435-13314C>A). To our knowledge, this variant has not been reported in the literature or in a large population database, indicating this variant is rare. At this time, the clinical significance of this variant is uncertain due to the absence of conclusive functional and genetic evidence.